The following is an entry in ClinVar:

ClinVar aggregate classification (germline): Benign (1 of 4 stars; one submission).

Conditions:
Atypical hemolytic-uremic syndrome. Identifiers: Orphanet 2134, MedGen C2931788, MONDO:0016244.
Basal laminar drusen. Also called: DRUSEN OF BRUCH MEMBRANE; DRUSEN, CUTICULAR; DRUSEN, EARLY ADULT-ONSET, GROUPED. Identifiers: Orphanet 75376, MedGen C0730295, MONDO:0007472, OMIM 126700.
Factor H deficiency (CFHD). Also called: COMPLEMENT FACTOR H DEFICIENCY; CFH DEFICIENCY. Identifiers: Orphanet 200421, MedGen C0398777, MONDO:0012350, OMIM 609814.
Age related macular degeneration 4. Identifiers: MedGen C1853147, MONDO:0012540, OMIM 610698.

gnomAD v4.1: 66,730 of 151,724 alleles (44%); highest among the groups gnomAD compares: South Asian, 56%; 14,822 homozygotes.

Submission:

Genomenon, Inc
Classification: Benign for Basal laminar drusen; Age related macular degeneration 4; Atypical hemolytic-uremic syndrome; Factor H deficiency. Last evaluated: 2025-10-02. Review status: criteria provided, single submitter. Criteria: Genomenon Sequence Variant Interpretation Standards - Updated. Collection method: curation. Allele origin: germline. Affected: no.
Comment: CFH c.2414-3144C>T is a deep intronic variant located in intron 15. This variant is present at high allele frequency in population databases. In conclusion, we classify CFH c.2414-3144C>T as a benign variant.

NM_000186.4(CFH):c.2414-3144C>T

Gene: CFH (complement factor H; plus strand). Cytogenetic location: 1q31.3.
Variant type: single nucleotide variant.
Coding change: c.2414-3144C>T on transcript NM_000186.4 (MANE Select); 3144 bases into the intron before coding-DNA position 2414, C replaced by T.
Molecular consequence: intron variant.
Genome position (GRCh38, 1-based): chr1:196,733,680, C>T. VCF-style: chr1-196733680-C-T. GRCh37 (hg19) VCF-style: chr1-196702810-C-T.
Identifiers: ClinVar variation 4291475 (VCV004291475.1).